The following is an entry in ClinVar:

ClinVar aggregate classification (germline): Uncertain significance (1 of 4 stars; one submission).

Conditions:
Inborn genetic diseases. Identifiers: MedGen C0950123, MeSH D030342.

Submission:

Ambry Genetics
Classification: Uncertain significance for Inborn genetic diseases. Last evaluated: 2025-09-28. Review status: criteria provided, single submitter. Criteria: Ambry Variant Classification Scheme 2023. Collection method: clinical testing. Allele origin: germline.
Comment: The p.Q1284H variant (also known as c.3852A>T), located in coding exon 1 of the SAMD9L gene, results from an A to T substitution at nucleotide position 3852. The glutamine at codon 1284 is replaced by histidine, an amino acid with highly similar properties. This amino acid position is conserved. In addition, this alteration is predicted to be tolerated by in silico analysis. Based on the available evidence, the clinical significance of this variant remains unclear.

NM_152703.5(SAMD9L):c.3852A>T (p.Gln1284His)

Gene: SAMD9L (sterile alpha motif domain containing 9 like; minus strand). Cytogenetic location: 7q21.2.
Variant type: single nucleotide variant.
Coding change: c.3852A>T on transcript NM_152703.5 (MANE Select); coding-DNA position 3852, A replaced by T.
Protein change: p.Gln1284His; replaces glutamine 1284 with histidine.
Molecular consequence: missense variant.
Genome position (GRCh38, 1-based): chr7:93,132,120, T>A on the plus strand (A>T on the coding strand, the complement: SAMD9L is on the minus strand). VCF-style: chr7-93132120-T-A. GRCh37 (hg19) VCF-style: chr7-92761433-T-A.
Other names: c.3852A>T, p.Gln1284His (NM_001303496.3, NM_001303497.3, NM_001303498.3 and 5 more transcripts); short protein forms Q1284H.
Identifiers: ClinVar variation 4630026 (VCV004630026.1).